The following is an entry in ClinVar:

NM_000531.6(OTC):c.127C>T (p.Leu43Phe)

Gene: OTC (ornithine transcarbamylase; plus strand). Cytogenetic location: Xp11.4.
Variant type: single nucleotide variant.
Coding change: c.127C>T on transcript NM_000531.6 (MANE Select); coding-DNA position 127, C replaced by T.
Protein change: p.Leu43Phe; replaces leucine 43 with phenylalanine.
Molecular consequence: missense variant.
Genome position (GRCh38, 1-based): chrX:38,367,340, C>T. VCF-style: chrX-38367340-C-T. GRCh37 (hg19) VCF-style: chrX-38226593-C-T.
Other names: short protein forms L43F.
Identifiers: ClinVar variation 97108 (VCV000097108.2), dbSNP rs72554309, ClinGen allele CA224457.

ClinVar aggregate classification (germline): Pathogenic (0 of 4 stars; one submission).

Submission:

GenMed Metabolism Lab
Classification: Pathogenic. Review status: no assertion criteria provided. Collection method: not provided. Allele origin: unknown.
ClinVar note: Converted during submission from pathogenic to Pathogenic.